The following is an entry in ClinVar:

ClinVar aggregate classification (germline): Uncertain significance. Review status: criteria provided, multiple submitters, no conflicts (2 of 4 stars). 6 submissions from 6 submitters: Uncertain significance (6). Last evaluated 2025-12-04.

Conditions:
FAT4-related disorder. Also called: FAT4-related condition.
Inborn genetic diseases. Identifiers: MedGen C0950123, MeSH D030342.
Hennekam lymphangiectasia-lymphedema syndrome 2 (HKLLS2). Identifiers: Orphanet 2136, MedGen C4014939, MONDO:0014454, OMIM 616006.
Van Maldergem syndrome 2 (VMLDS2). Identifiers: Orphanet 314679, MedGen C3809875, MONDO:0014242, OMIM 615546.

Allele frequency attached by ClinVar (database versions not stated): ExAC 0.00004; gnomAD exomes 0.00004; gnomAD 0.00006 and 0.00007; TOPMed 0.00014; ESP Exome Variant Server 0.00016.
gnomAD v4.1: 24 of 1,612,418 alleles (0.0015%); highest among the groups gnomAD compares: African/African-American, 0.029%; no homozygotes.

Submissions (6):

Ambry Genetics
Classification: Uncertain significance for Inborn genetic diseases. Last evaluated: 2025-12-04. Review status: criteria provided, single submitter. Criteria: Ambry Variant Classification Scheme 2023. Collection method: clinical testing. Allele origin: germline.

PreventionGenetics, part of Exact Sciences
Classification: Uncertain significance for FAT4-related condition. Last evaluated: 2025-07-11. Review status: criteria provided, single submitter. Criteria: ACMG Guidelines, 2015. Collection method: clinical testing. Allele origin: germline.
Comment: The FAT4 c.929C>A variant is predicted to result in the amino acid substitution p.Pro310His. To our knowledge, this variant has not been reported in the literature. This variant is reported in 0.042% of alleles in individuals of African descent in gnomAD. At this time, the clinical significance of this variant is uncertain due to the absence of conclusive functional and genetic evidence.

Fulgent Genetics
Classification: Uncertain significance for Van Maldergem syndrome 2; Hennekam lymphangiectasia-lymphedema syndrome 2. Last evaluated: 2024-04-23. Review status: criteria provided, single submitter. Criteria: ACMG Guidelines, 2015. Collection method: clinical testing. Allele origin: germline.

Labcorp Genetics (formerly Invitae), Labcorp
Classification: Uncertain significance. Last evaluated: 2024-01-02. Review status: criteria provided, single submitter. Criteria: Invitae Variant Classification Sherloc (09022015). Collection method: clinical testing. Allele origin: germline.
Comment: This sequence change replaces proline, which is neutral and non-polar, with histidine, which is basic and polar, at codon 310 of the FAT4 protein (p.Pro310His). This variant is present in population databases (rs371090730, gnomAD 0.04%). This variant has not been reported in the literature in individuals affected with FAT4-related conditions. ClinVar contains an entry for this variant (Variation ID: 1473540). Advanced modeling of protein sequence and biophysical properties (such as structural, functional, and spatial information, amino acid conservation, physicochemical variation, residue mobility, and thermodynamic stability) performed at Invitae indicates that this missense variant is not expected to disrupt FAT4 protein function with a negative predictive value of 80%. In summary, the available evidence is currently insufficient to determine the role of this variant in disease. Therefore, it has been classified as a Variant of Uncertain Significance.

GeneDx
Classification: Uncertain significance. Last evaluated: 2023-12-16. Review status: criteria provided, single submitter. Criteria: GeneDx Variant Classification Process June 2021. Collection method: clinical testing. Allele origin: germline. Affected: yes.
Comment: In silico analysis supports that this missense variant does not alter protein structure/function; Has not been previously published as pathogenic or benign to our knowledge

Department of Pathology and Laboratory Medicine, Sinai Health System
Classification: Uncertain significance for Van Maldergem syndrome 2; Hennekam lymphangiectasia-lymphedema syndrome 2. Last evaluated: 2021-07-30. Review status: criteria provided, single submitter. Criteria: ACMG Guidelines, 2015. Collection method: research. Allele origin: germline.

NM_001291303.3(FAT4):c.929C>A (p.Pro310His)

Gene: FAT4 (FAT atypical cadherin 4; plus strand). Cytogenetic location: 4q28.1.
Variant type: single nucleotide variant.
Coding change: c.929C>A on transcript NM_001291303.3 (MANE Select); coding-DNA position 929, C replaced by A.
Protein change: p.Pro310His; replaces proline 310 with histidine.
Molecular consequence: missense variant.
Genome position (GRCh38, 1-based): chr4:125,317,340, C>A. VCF-style: chr4-125317340-C-A. GRCh37 (hg19) VCF-style: chr4-126238495-C-A.
Other names: c.929C>A (NM_001291303.1, NM_024582.4, NM_024582.5); c.929C>A, p.Pro310His (NM_001291285.3, NM_024582.6); short protein forms P310H.
Identifiers: ClinVar variation 1473540 (VCV001473540.9), dbSNP rs371090730, ClinGen allele CA3071893.